The following is an entry in ClinVar:

NM_000264.5(PTCH1):c.1485del (p.Phe495fs)

Gene: PTCH1 (patched 1; minus strand). Cytogenetic location: 9q22.32.
Variant type: Deletion.
Coding change: c.1485del on transcript NM_000264.5 (MANE Select); coding-DNA position 1485, one base deleted (T; older notation c.1485delT).
Protein change: p.Phe495fs; shifts the reading frame from phenylalanine 495.
Molecular consequence: frameshift variant. On other transcripts: intron variant (1), non-coding transcript variant (1).
Genome position (GRCh38, 1-based): chr9:95,477,565, A deleted on the plus strand (T on the coding strand, the reverse complement: PTCH1 is on the minus strand); the first of 3 consecutive A bases (chr9:95,477,565-95,477,567); deleting any one gives the same sequence. VCF-style (leftmost placement, unchanged base first): chr9-95477564-TA-T. GRCh37 (hg19) VCF-style: chr9-98239846-TA-T.
Other names: c.1287del, p.Phe429fs (NM_001083602.3); c.1347+490del (NM_001354918.2); c.1482del, p.Phe494fs (NM_001083603.3); c.1032del, p.Phe344fs (NM_001083604.3, NM_001083605.3, NM_001083606.3 and 1 more transcripts); short protein forms F429fs, F495fs, F494fs, F344fs.
Identifiers: ClinVar variation 453789 (VCV000453789.7), dbSNP rs1554698531, ClinGen allele CA658656044.

ClinVar aggregate classification (germline): Pathogenic (1 of 4 stars; one submission).

Conditions:
Gorlin syndrome. Also called: Basal cell nevus syndrome; Nevoid Basal Cell Carcinoma Syndrome. Identifiers: Orphanet 377, MedGen C0004779, MONDO:0007187.

Submission:

Labcorp Genetics (formerly Invitae), Labcorp
Classification: Pathogenic for Gorlin syndrome. Last evaluated: 2017-07-19. Review status: criteria provided, single submitter. Criteria: Invitae Variant Classification Sherloc (09022015). Collection method: clinical testing. Allele origin: germline.
Comment: This variant has not been reported in the literature in individuals with PTCH1-related disease. Loss-of-function variants in PTCH1 are known to be pathogenic (PMID: 8981943). For these reasons, this variant has been classified as Pathogenic. This sequence change creates a premature translational stop signal (p.Phe495Leufs*47) in the PTCH1 gene. It is expected to result in an absent or disrupted protein product. This variant is not present in population databases (ExAC no frequency).

Literature cited by the submitters: PubMed 8981943.